The following is an entry in ClinVar:

NM_020987.5(ANK3):c.6627C>T (p.Thr2209=)

Gene: ANK3 (ankyrin 3; minus strand). Cytogenetic location: 10q21.2.
Variant type: single nucleotide variant.
Coding change: c.6627C>T on transcript NM_020987.5 (MANE Select); coding-DNA position 6627, C replaced by T.
Protein change: p.Thr2209=; no amino-acid change (threonine 2209 retained).
Molecular consequence: synonymous variant. On other transcripts: intron variant (4).
Genome position (GRCh38, 1-based): chr10:60,074,254, G>A on the plus strand (C>T on the coding strand, the complement: ANK3 is on the minus strand). VCF-style: chr10-60074254-G-A. GRCh37 (hg19) VCF-style: chr10-61834012-G-A.
Other names: c.4388-6245C>T (NM_001204403.2); c.4409-6245C>T (NM_001204404.2); c.4406-6245C>T (NM_001320874.2); c.1808-6245C>T (NM_001149.4).
Identifiers: ClinVar variation 3030241 (VCV003030241.2), dbSNP rs148753581, ClinGen allele CA5511846.

ClinVar aggregate classification (germline): Likely benign (0 of 4 stars; one submission).

Conditions:
ANK3-related disorder. Also called: ANK3-related condition.

Allele frequency attached by ClinVar (database versions not stated): gnomAD 0.00001; ESP Exome Variant Server 0.00008.
gnomAD v4.1: 43 of 1,613,986 alleles (0.0027%); highest among the groups gnomAD compares: South Asian, 0.026%; no homozygotes.

Submission:

PreventionGenetics, part of Exact Sciences
Classification: Likely benign for ANK3-related condition. Last evaluated: 2020-12-11. Review status: no assertion criteria provided. Collection method: clinical testing. Allele origin: germline.
Comment: This variant is classified as likely benign based on ACMG/AMP sequence variant interpretation guidelines (Richards et al. 2015 PMID: 25741868, with internal and published modifications).